The following is an entry in ClinVar:

NM_005045.4(RELN):c.5380T>C (p.Cys1794Arg)

Gene: RELN (reelin; minus strand). Cytogenetic location: 7q22.1.
Variant type: single nucleotide variant.
Coding change: c.5380T>C on transcript NM_005045.4 (MANE Select); coding-DNA position 5380, T replaced by C.
Protein change: p.Cys1794Arg; replaces cysteine 1794 with arginine.
Molecular consequence: missense variant.
Genome position (GRCh38, 1-based): chr7:103,561,681, A>G on the plus strand (T>C on the coding strand, the complement: RELN is on the minus strand). VCF-style: chr7-103561681-A-G. GRCh37 (hg19) VCF-style: chr7-103202128-A-G.
Other names: c.5380T>C, p.Cys1794Arg (NM_173054.3); short protein forms C1794R.
Identifiers: ClinVar variation 2077191 (VCV002077191.4), dbSNP rs2484734087, ClinGen allele CA368744111.

ClinVar aggregate classification (germline): Uncertain significance (1 of 4 stars; one submission).

Conditions:
Norman-Roberts syndrome (LIS2). Also called: Lissencephaly 2 (Norman-Roberts type). Identifiers: Orphanet 89844, MedGen C0796089, MONDO:0009760, OMIM 257320.
Familial temporal lobe epilepsy 7. Identifiers: Orphanet 101046, MedGen C4225327, MONDO:0014639, OMIM 616436.

Submission:

Labcorp Genetics (formerly Invitae), Labcorp
Classification: Uncertain significance for Familial temporal lobe epilepsy 7; Norman-Roberts syndrome. Last evaluated: 2024-10-25. Review status: criteria provided, single submitter. Criteria: Invitae Variant Classification Sherloc (09022015). Collection method: clinical testing. Allele origin: germline.
Comment: This sequence change replaces cysteine, which is neutral and slightly polar, with arginine, which is basic and polar, at codon 1794 of the RELN protein (p.Cys1794Arg). This variant is not present in population databases (gnomAD no frequency). This variant has not been reported in the literature in individuals affected with RELN-related conditions. ClinVar contains an entry for this variant (Variation ID: 2077191). Invitae Evidence Modeling of protein sequence and biophysical properties (such as structural, functional, and spatial information, amino acid conservation, physicochemical variation, residue mobility, and thermodynamic stability) indicates that this missense variant is not expected to disrupt RELN protein function with a negative predictive value of 80%. In summary, the available evidence is currently insufficient to determine the role of this variant in disease. Therefore, it has been classified as a Variant of Uncertain Significance.